The following is an entry in ClinVar:

NM_199420.4(POLQ):c.4810G>A (p.Gly1604Ser)

Gene: POLQ (DNA polymerase theta; minus strand). Cytogenetic location: 3q13.33.
Variant type: single nucleotide variant.
Coding change: c.4810G>A on transcript NM_199420.4 (MANE Select); coding-DNA position 4810, G replaced by A.
Protein change: p.Gly1604Ser; replaces glycine 1604 with serine.
Molecular consequence: missense variant.
Genome position (GRCh38, 1-based): chr3:121,488,121, C>T on the plus strand (G>A on the coding strand, the complement: POLQ is on the minus strand). VCF-style: chr3-121488121-C-T. GRCh37 (hg19) VCF-style: chr3-121206968-C-T.
Other names: short protein forms G1604S.
Identifiers: ClinVar variation 2449005 (VCV002449005.2), dbSNP rs2048029682, ClinGen allele CA354093745.
Genomic context (GRCh38, chr3:121,488,121, plus strand): 5'-TGGTCCCAGTTAATTTTGATTTTTCAGCCCTTTCATCTTGATCTCCTCCATCTTGATCAC[C>T]TTGGTGGTGCTCATCAAGTACTGGATCACTTAGTTCTAATGCTCTAGGAGATACTACAGT-3'
Protein context (NP_955452.3, residues 1594-1614): SDPVLDEHHQ[Gly1604Ser]DQDGGDQDER

ClinVar aggregate classification (germline): Uncertain significance (1 of 4 stars; one submission).

Allele frequency attached by ClinVar (database versions not stated): gnomAD exomes below 0.00001.
gnomAD v4.1: 1 of 1,613,462 alleles (0.000062%); highest among the groups gnomAD compares: Admixed American, 0.0017%; no homozygotes.

Submission:

Ambry Genetics
Classification: Uncertain significance. Last evaluated: 2023-02-10. Review status: criteria provided, single submitter. Criteria: Ambry Variant Classification Scheme 2023. Collection method: clinical testing. Allele origin: germline.
Comment: The p.G1604S variant (also known as c.4810G>A), located in coding exon 16 of the POLQ gene, results from a G to A substitution at nucleotide position 4810. The glycine at codon 1604 is replaced by serine, an amino acid with similar properties. This amino acid position is conserved. In addition, this alteration is predicted to be tolerated by in silico analysis. Since supporting evidence is limited at this time, the clinical significance of this alteration remains unclear.